The following is an entry in ClinVar:

NM_001077365.2(POMT1):c.1947C>T (p.Thr649=)

Gene: POMT1 (protein O-mannosyltransferase 1; plus strand). Cytogenetic location: 9q34.13.
Variant type: single nucleotide variant.
Coding change: c.1947C>T on transcript NM_001077365.2 (MANE Select); coding-DNA position 1947, C replaced by T.
Protein change: p.Thr649=; no amino-acid change (threonine 649 retained).
Molecular consequence: synonymous variant. On other transcripts: non-coding transcript variant (10).
Genome position (GRCh38, 1-based): chr9:131,522,168, C>T. VCF-style: chr9-131522168-C-T. GRCh37 (hg19) VCF-style: chr9-134397555-C-T.
Other names: c.1785C>T, p.Thr595= (NM_001077366.2, NM_001353194.2); c.1947C>T, p.Thr649= (NM_001136113.2); c.1596C>T, p.Thr532= (NM_001136114.2, NM_001353195.2, NM_001374691.1 and 2 more transcripts); c.2013C>T, p.Thr671= (NM_001353193.2, NM_007171.4); c.1857C>T, p.Thr619= (NM_001353196.2); c.1851C>T, p.Thr617= (NM_001353197.2, NM_001353198.2); c.1662C>T, p.Thr554= (NM_001353199.2); c.1491C>T, p.Thr497= (NM_001353200.2); and 4 more.
Identifiers: ClinVar variation 3041337 (VCV003041337.2), dbSNP rs2539477206, ClinGen allele CA467424085.

ClinVar aggregate classification (germline): Likely benign (0 of 4 stars; one submission).

Conditions:
POMT1-related disorder. Also called: POMT1-related disorders; POMT1-related condition.

Allele frequency attached by ClinVar (database versions not stated): gnomAD exomes below 0.00001.
gnomAD v4.1: 4 of 1,614,188 alleles (0.00025%); highest among the groups gnomAD compares: Non-Finnish European, 0.00034%; no homozygotes.

Submission:

PreventionGenetics, part of Exact Sciences
Classification: Likely benign for POMT1-related condition. Last evaluated: 2019-05-08. Review status: no assertion criteria provided. Collection method: clinical testing. Allele origin: germline.
Comment: This variant is classified as likely benign based on ACMG/AMP sequence variant interpretation guidelines (Richards et al. 2015 PMID: 25741868, with internal and published modifications).